The following is an entry in ClinVar:

ClinVar aggregate classification (germline): Pathogenic (1 of 4 stars; one submission).

Conditions:
Cystinuria (CSNU). Also called: CYSTINURIA, TYPE I; CYSTINURIA, TYPE II; CYSTINURIA, TYPE III; Cystinuria, non-type I. Identifiers: Orphanet 214, MedGen C0010691, MONDO:0009067, OMIM 220100, HP:0003131.

Allele frequency attached by ClinVar (database versions not stated): gnomAD exomes below 0.00001; gnomAD 0.00001; TOPMed 0.00001.
gnomAD v4.1: 6 of 1,613,936 alleles (0.00037%); highest among the groups gnomAD compares: Non-Finnish European, 0.00051%; no homozygotes.

Submission:

Labcorp Genetics (formerly Invitae), Labcorp
Classification: Pathogenic for Cystinuria. Last evaluated: 2026-01-13. Review status: criteria provided, single submitter. Criteria: Invitae Variant Classification Sherloc (09022015). Collection method: clinical testing. Allele origin: germline.
Comment: This sequence change affects a donor splice site in intron 6 of the SLC3A1 gene. It is expected to disrupt RNA splicing. Variants that disrupt the donor or acceptor splice site typically lead to a loss of protein function (PMID: 16199547), and loss-of-function variants in SLC3A1 are known to be pathogenic (PMID: 24610330, 25109415, 25964309). This variant is present in population databases (no rsID available, gnomAD 0.0009%). Disruption of this splice site has been observed in individual(s) with clinical features of cystinuria (internal data). ClinVar contains an entry for this variant (Variation ID: 1975826). Algorithms developed to predict the effect of sequence changes on RNA splicing suggest that this variant may disrupt the consensus splice site. For these reasons, this variant has been classified as Pathogenic.

Literature cited by the submitters: PubMed 16199547; PubMed 24610330; PubMed 25109415; PubMed 25964309.

NM_000341.4(SLC3A1):c.1136+1G>T

Gene: SLC3A1 (solute carrier family 3 member 1; plus strand). Cytogenetic location: 2p21.
Variant type: single nucleotide variant.
Coding change: c.1136+1G>T on transcript NM_000341.4 (MANE Select); the canonical splice donor site of the intron after coding-DNA position 1136, G replaced by T.
Molecular consequence: splice donor variant.
Genome position (GRCh38, 1-based): chr2:44,301,128, G>T. VCF-style: chr2-44301128-G-T. GRCh37 (hg19) VCF-style: chr2-44528267-G-T.
Identifiers: ClinVar variation 1975826 (VCV001975826.3), dbSNP rs1461067691, ClinGen allele CA346681481.
Genomic context (GRCh38, chr2:44,301,128, plus strand): 5'-CATTGTCCGCAGCTTCCGGCAGACCATGGACCAATACAGCACGGAGCCCGGCAGATACAG[G>T]TTGACCACGGCATATGCTCTCATTTCTTCCCAGGCTTAGTGTGTGATCTGCAGTGTATCC-3'